The following is an entry in ClinVar:

NM_001040716.2(PC):c.2902C>G (p.Leu968Val)

Gene: PC (pyruvate carboxylase; minus strand). Cytogenetic location: 11q13.2.
Variant type: single nucleotide variant.
Coding change: c.2902C>G on transcript NM_001040716.2 (MANE Select); coding-DNA position 2902, C replaced by G.
Protein change: p.Leu968Val; replaces leucine 968 with valine.
Molecular consequence: missense variant.
Genome position (GRCh38, 1-based): chr11:66,849,856, G>C on the plus strand (C>G on the coding strand, the complement: PC is on the minus strand). VCF-style: chr11-66849856-G-C. GRCh37 (hg19) VCF-style: chr11-66617327-G-C.
Other names: c.2902C>G, p.Leu968Val (NM_000920.4, NM_022172.3); short protein forms L968V.
Identifiers: ClinVar variation 1998375 (VCV001998375.4), dbSNP rs2495408176, ClinGen allele CA381491670.

ClinVar aggregate classification (germline): Uncertain significance (1 of 4 stars; one submission).

Conditions:
Pyruvate carboxylase deficiency. Also called: Pyruvate Carboxylase Deficiency Disease; ATAXIA WITH LACTIC ACIDOSIS II; LEIGH NECROTIZING ENCEPHALOPATHY DUE TO PYRUVATE CARBOXYLASE DEFICIENCY; LEIGH SYNDROME DUE TO PYRUVATE CARBOXYLASE DEFICIENCY; PC DEFICIENCY. Identifiers: Orphanet 3008, MedGen C0034341, MONDO:0009949, OMIM 266150.

Allele frequency attached by ClinVar (database versions not stated): gnomAD exomes below 0.00001.
gnomAD v4.1: 2 of 1,613,754 alleles (0.00012%); highest among the groups gnomAD compares: African/African-American, 0.0013%; no homozygotes.

Submission:

Labcorp Genetics (formerly Invitae), Labcorp
Classification: Uncertain significance for Pyruvate carboxylase deficiency. Last evaluated: 2023-08-04. Review status: criteria provided, single submitter. Criteria: Invitae Variant Classification Sherloc (09022015). Collection method: clinical testing. Allele origin: germline.
Comment: This sequence change replaces leucine, which is neutral and non-polar, with valine, which is neutral and non-polar, at codon 968 of the PC protein (p.Leu968Val). This variant is not present in population databases (gnomAD no frequency). This variant has not been reported in the literature in individuals affected with PC-related conditions. ClinVar contains an entry for this variant (Variation ID: 1998375). Advanced modeling of protein sequence and biophysical properties (such as structural, functional, and spatial information, amino acid conservation, physicochemical variation, residue mobility, and thermodynamic stability) has been performed at Invitae for this missense variant, however the output from this modeling did not meet the statistical confidence thresholds required to predict the impact of this variant on PC protein function. Algorithms developed to predict the effect of sequence changes on RNA splicing suggest that this variant may create or strengthen a splice site. In summary, the available evidence is currently insufficient to determine the role of this variant in disease. Therefore, it has been classified as a Variant of Uncertain Significance.